The following is an entry in ClinVar:

NM_001042492.3(NF1):c.7504G>T (p.Gly2502Ter)

Gene: NF1 (neurofibromin 1; plus strand). Cytogenetic location: 17q11.2.
Variant type: single nucleotide variant.
Coding change: c.7504G>T on transcript NM_001042492.3 (MANE Select); coding-DNA position 7504, G replaced by T.
Protein change: p.Gly2502Ter; replaces glycine 2502 with a stop codon.
Molecular consequence: nonsense.
Genome position (GRCh38, 1-based): chr17:31,352,303, G>T. VCF-style: chr17-31352303-G-T. GRCh37 (hg19) VCF-style: chr17-29679321-G-T.
Other names: c.7441G>T, p.Gly2481Ter (NM_000267.4); short protein forms G2481*, G2502*.
Identifiers: ClinVar variation 1451888 (VCV001451888.6), dbSNP rs1555536357, ClinGen allele CA399017529.

ClinVar aggregate classification (germline): Pathogenic (1 of 4 stars; one submission).

Conditions:
Neurofibromatosis, type 1 (NF1). Also called: NEUROFIBROMATOSIS, TYPE I, SOMATIC; VON RECKLINGHAUSEN DISEASE; Peripheral type neurofibromatosis; Neurofibromatosis, type I. Identifiers: Orphanet 636, MedGen C0027831, MONDO:0018975, OMIM 162200. Disease mechanism: loss of function.

Submission:

Labcorp Genetics (formerly Invitae), Labcorp
Classification: Pathogenic for Neurofibromatosis, type 1. Last evaluated: 2021-07-12. Review status: criteria provided, single submitter. Criteria: Invitae Variant Classification Sherloc (09022015). Collection method: clinical testing. Allele origin: germline.
Comment: This sequence change creates a premature translational stop signal (p.Gly2481*) in the NF1 gene. It is expected to result in an absent or disrupted protein product. Loss-of-function variants in NF1 are known to be pathogenic (PMID: 10712197, 23913538). This variant is not present in population databases (ExAC no frequency). This premature translational stop signal has been observed in individual(s) with clinical features of neurofibromatosis type 1 (PMID: 23668869). For these reasons, this variant has been classified as Pathogenic.

Literature cited by the submitters: PubMed 10712197; PubMed 23913538; PubMed 23668869.